The following is an entry in ClinVar:

ClinVar aggregate classification (germline): Conflicting classifications of pathogenicity. Review status: criteria provided, conflicting classifications (1 of 4 stars). 2 submissions from 2 submitters: Uncertain significance (1); Likely benign (1). Last evaluated 2025-07-02.

Allele frequency attached by ClinVar (database versions not stated): gnomAD 0.00001; gnomAD exomes 0.00002 and 0.00004; TOPMed 0.00002.
gnomAD v4.1: 37 of 1,614,030 alleles (0.0023%); highest among the groups gnomAD compares: Admixed American, 0.023%; no homozygotes.

Submissions (2):

Ambry Genetics
Classification: Likely benign. Last evaluated: 2025-07-02. Review status: criteria provided, single submitter. Criteria: Ambry Variant Classification Scheme 2023. Collection method: clinical testing. Allele origin: germline.

Labcorp Genetics (formerly Invitae), Labcorp
Classification: Uncertain significance. Last evaluated: 2022-12-07. Review status: criteria provided, single submitter. Criteria: Invitae Variant Classification Sherloc (09022015). Collection method: clinical testing. Allele origin: germline.
Comment: In summary, the available evidence is currently insufficient to determine the role of this variant in disease. Therefore, it has been classified as a Variant of Uncertain Significance. Advanced modeling of protein sequence and biophysical properties (such as structural, functional, and spatial information, amino acid conservation, physicochemical variation, residue mobility, and thermodynamic stability) performed at Invitae indicates that this missense variant is not expected to disrupt KANK1 protein function. ClinVar contains an entry for this variant (Variation ID: 1524422). This variant has not been reported in the literature in individuals affected with KANK1-related conditions. This variant is present in population databases (no rsID available, gnomAD 0.03%). This sequence change replaces aspartic acid, which is acidic and polar, with glycine, which is neutral and non-polar, at codon 1023 of the KANK1 protein (p.Asp1023Gly).

NM_015158.5(KANK1):c.3068A>G (p.Asp1023Gly)

Gene: KANK1 (KN motif and ankyrin repeat domains 1; plus strand). Cytogenetic location: 9p24.3.
Variant type: single nucleotide variant.
Coding change: c.3068A>G on transcript NM_015158.5 (MANE Select); coding-DNA position 3068, A replaced by G.
Protein change: p.Asp1023Gly; replaces aspartic acid 1023 with glycine.
Molecular consequence: missense variant. On other transcripts: intron variant (5).
Genome position (GRCh38, 1-based): chr9:732,440, A>G. VCF-style: chr9-732440-A-G. GRCh37 (hg19) VCF-style: chr9-732440-A-G.
Other names: c.3068A>G, p.Asp1023Gly (NM_001256876.3, NM_001256877.3, NM_001354334.2); c.3014A>G, p.Asp1005Gly (NM_001354332.2); c.2594A>G, p.Asp865Gly (NM_001354333.2, NM_001354335.2, NM_001354337.2 and 2 more transcripts); c.2540A>G, p.Asp847Gly (NM_001354338.2, NM_001354340.2, NM_001354344.2); c.3005+1174A>G (NM_001354331.2); c.2477+1174A>G (NM_001354336.2); c.2531+1174A>G (NM_001354339.2, NM_001354343.2, NM_001354342.2); c.3068A>G (NM_015158.2); short protein forms D1023G, D847G, D865G, D1005G.
Identifiers: ClinVar variation 1524422 (VCV001524422.7), dbSNP rs1349199518, ClinGen allele CA372757093.